The following is an entry in ClinVar:

NM_000059.4(BRCA2):c.6327T>C (p.Val2109=)

Gene: BRCA2 (BRCA2 DNA repair associated; plus strand). Cytogenetic location: 13q13.1.
Variant type: single nucleotide variant.
Coding change: c.6327T>C on transcript NM_000059.4 (MANE Select); coding-DNA position 6327, T replaced by C.
Protein change: p.Val2109=; no amino-acid change (valine 2109 retained).
Molecular consequence: synonymous variant.
Genome position (GRCh38, 1-based): chr13:32,340,682, T>C. VCF-style: chr13-32340682-T-C. GRCh37 (hg19) VCF-style: chr13-32914819-T-C.
Identifiers: ClinVar variation 233293 (VCV000233293.18), dbSNP rs876660313, ClinGen allele CA10579688.
Genomic context (GRCh38, chr13:32,340,682, plus strand): 5'-GCATAGTCTTCACTATTCACCTACGTCTAGACAAAATGTATCAAAAATACTTCCTCGTGT[T>C]GATAAGAGAAACCCAGAGCACTGTGTAAACTCAGAAATGGAAAAAACCTGCAGTAAAGAA-3'
Protein context (NP_000050.3, residues 2099-2119): RQNVSKILPR[Val2109=]DKRNPEHCVN

ClinVar aggregate classification (germline): Likely benign. Review status: reviewed by expert panel (3 of 4 stars). 5 submissions from 5 submitters: Likely benign (1). 4 of the submissions do not count toward it. Last evaluated 2017-06-29.

Conditions:
Hereditary cancer-predisposing syndrome. Also called: Tumor predisposition; Hereditary Cancer Syndrome; Hereditary neoplastic syndrome; Neoplastic Syndromes, Hereditary. Identifiers: Orphanet 140162, MedGen C0027672, MeSH D009386, MONDO:0015356.
Hereditary breast ovarian cancer syndrome. Also called: Hereditary breast and ovarian cancer; Breast and ovarian cancer; BRCA1- and BRCA2-Associated Hereditary Breast and Ovarian Cancer; Hereditary breast and ovarian cancer syndrome; Hereditary breast and ovarian cancer syndrome (HBOC); Hereditary breast and/or ovarian cancer syndrome. Identifiers: Orphanet 145, MedGen C0677776, MeSH D061325, MONDO:0003582. Disease mechanism: loss of function.
Breast-ovarian cancer, familial, susceptibility to, 2 (BROVCA2). Also called: BRCA2 Hereditary Breast and Ovarian Cancer. Identifiers: Orphanet 145, MedGen C2675520, MONDO:0012933, OMIM 612555. Disease mechanism: loss of function.

Allele frequency attached by ClinVar (database versions not stated): TOPMed below 0.00001; gnomAD 0.00001.
gnomAD v4.1: 1 of 1,608,802 alleles (0.000062%); highest among the groups gnomAD compares: African/African-American, 0.0013%; no homozygotes.

Submissions (5):

Evidence-based Network for the Interpretation of Germline Mutant Alleles (ENIGMA)
Classification: Likely benign for Breast-ovarian cancer, familial, susceptibility to, 2. Last evaluated: 2017-06-29. Review status: reviewed by expert panel. Criteria: ENIGMA BRCA1/2 Classification Criteria (2017-06-29). Collection method: curation. Allele origin: germline.
Comment: Synonymous substitution variant, with low bioinformatic likelihood to result in a splicing aberration (Splicing prior probability 0.02).

Labcorp Genetics (formerly Invitae), Labcorp
Classification: Likely benign for Hereditary breast ovarian cancer syndrome. Last evaluated: 2026-01-21. Review status: criteria provided, single submitter. Criteria: Invitae Variant Classification Sherloc (09022015). Collection method: clinical testing. Allele origin: germline. Not counted in ClinVar's aggregate classification.

All of Us Research Program, National Institutes of Health
Classification: Likely benign for Breast-ovarian cancer, familial, susceptibility to, 2. Last evaluated: 2024-02-05. Review status: criteria provided, single submitter. Criteria: ACMG Guidelines, 2015. Collection method: clinical testing. Allele origin: germline. Inheritance: Autosomal dominant inheritance. Observed: 3 variant alleles, 3 heterozygotes. Not counted in ClinVar's aggregate classification.
Comment: This study involves interpretation of variants in research participants for the purpose of population health screening. Participant phenotype was not available at the time of variant classification. Additional details can be found in publication PMID: 35346344, PMCID: PMC8962531

Women's Health and Genetics/Laboratory Corporation of America, LabCorp
Classification: Likely benign. Last evaluated: 2020-12-15. Review status: criteria provided, single submitter. Criteria: LabCorp Variant Classification Summary - May 2015. Collection method: clinical testing. Allele origin: germline. Not counted in ClinVar's aggregate classification.

Ambry Genetics
Classification: Likely benign for Hereditary cancer-predisposing syndrome. Last evaluated: 2018-08-23. Review status: criteria provided, single submitter. Criteria: Ambry Variant Classification Scheme 2023. Collection method: clinical testing. Allele origin: germline. Not counted in ClinVar's aggregate classification.